The following is an entry in ClinVar:

ClinVar aggregate classification (germline): Conflicting classifications of pathogenicity. Review status: criteria provided, conflicting classifications (1 of 4 stars). 2 submissions from 2 submitters: Uncertain significance (1); Likely benign (1). Last evaluated 2024-12-20.

Conditions:
CC2D2A-related disorder. Also called: CC2D2A-related disorders; CC2D2A-related condition. Identifiers: MedGen CN239313.
Joubert syndrome. Also called: JOUBERT-BOLTSHAUSER SYNDROME; Familial aplasia of the vermis. Identifiers: Orphanet 475, MedGen C5979921, MONDO:0018772.
Meckel-Gruber syndrome. Also called: DYSENCEPHALIA SPLANCHNOCYSTICA; GRUBER SYNDROME; Dysencephalia splachnocystica. Identifiers: Orphanet 564, MedGen C0265215, MONDO:0018921.

Allele frequency attached by ClinVar (database versions not stated): ExAC 0.00001; gnomAD 0.00001; gnomAD exomes 0.00001; TOPMed 0.00001.
gnomAD v4.1: 13 of 1,611,580 alleles (0.00081%); highest among the groups gnomAD compares: East Asian, 0.0022%; no homozygotes.

Submissions (2):

PreventionGenetics, part of Exact Sciences
Classification: Likely benign for CC2D2A-related condition. Last evaluated: 2024-12-20. Review status: criteria provided, single submitter. Criteria: ACMG Guidelines, 2015. Collection method: clinical testing. Allele origin: germline.
Comment: This variant is classified as likely benign based on ACMG/AMP sequence variant interpretation guidelines (Richards et al. 2015 PMID: 25741868, with internal and published modifications).

Labcorp Genetics (formerly Invitae), Labcorp
Classification: Uncertain significance for Joubert syndrome; Meckel-Gruber syndrome. Last evaluated: 2022-05-19. Review status: criteria provided, single submitter. Criteria: Invitae Variant Classification Sherloc (09022015). Collection method: clinical testing. Allele origin: germline.
Comment: This sequence change falls in intron 20 of the CC2D2A gene. It does not directly change the encoded amino acid sequence of the CC2D2A protein. It affects a nucleotide within the consensus splice site. This variant is present in population databases (rs780106193, gnomAD 0.002%). This variant has not been reported in the literature in individuals affected with CC2D2A-related conditions. Variants that disrupt the consensus splice site are a relatively common cause of aberrant splicing (PMID: 17576681, 9536098). Algorithms developed to predict the effect of sequence changes on RNA splicing suggest that this variant is not likely to affect RNA splicing. In summary, the available evidence is currently insufficient to determine the role of this variant in disease. Therefore, it has been classified as a Variant of Uncertain Significance.

Literature cited by the submitters: PubMed 17576681 (cited by Labcorp Genetics (formerly Invitae), Labcorp); PubMed 9536098 (cited by Labcorp Genetics (formerly Invitae), Labcorp).

NM_001378615.1(CC2D2A):c.2486+5T>A

Genes: FBXL5 (F-box and leucine rich repeat protein 5; minus strand), CC2D2A (coiled-coil and C2 domain containing 2A; plus strand). Cytogenetic location: 4p15.32.
Variant type: single nucleotide variant.
Coding change: c.2486+5T>A on transcript NM_001378615.1 (MANE Select); 5 bases into the intron after coding-DNA position 2486, T replaced by A.
Molecular consequence: intron variant.
Genome position (GRCh38, 1-based): chr4:15,553,310, T>A. VCF-style: chr4-15553310-T-A. GRCh37 (hg19) VCF-style: chr4-15554933-T-A.
Other names: c.2486+5T>A (NM_001080522.2); c.2339+5T>A (NM_001378617.1).
Identifiers: ClinVar variation 2144705 (VCV002144705.2), dbSNP rs780106193, ClinGen allele CA2863931.
Genomic context (GRCh38, chr4:15,553,310, plus strand): 5'-GAAAACGGGATACCTTTAATTCCTCCATTGTCACAGCAGAACATCGGATTTCGGAGGTAA[T>A]ACATGGCAAGAGTAAATTGATGAGCAATGTCAGTGTTATCATTAAAGATACCCAAGGGGA-3'